The following is an entry in ClinVar:

NM_000540.3(RYR1):c.7775G>A (p.Gly2592Asp)

Gene: RYR1 (ryanodine receptor 1; plus strand). Cytogenetic location: 19q13.2.
Variant type: single nucleotide variant.
Coding change: c.7775G>A on transcript NM_000540.3 (MANE Select); coding-DNA position 7775, G replaced by A.
Protein change: p.Gly2592Asp; replaces glycine 2592 with aspartic acid.
Molecular consequence: missense variant.
Genome position (GRCh38, 1-based): chr19:38,502,667, G>A. VCF-style: chr19-38502667-G-A. GRCh37 (hg19) VCF-style: chr19-38993307-G-A.
Other names: c.7775G>A, p.Gly2592Asp (NM_001042723.2); short protein forms G2592D.
Identifiers: ClinVar variation 4738966 (VCV004738966.1).

ClinVar aggregate classification (germline): Uncertain significance. Review status: criteria provided, multiple submitters, no conflicts (2 of 4 stars). 2 submissions from 2 submitters: Uncertain significance (2). Last evaluated 2025-04-08.

Conditions:
Malignant hyperthermia, susceptibility to, 1 (MHS1). Also called: Anesthesia related hyperthermia; Malignant hyperpyrexia; Fulminating hyperpyrexia; Pharmacogenic myopathy; RYR1-Related Malignant Hyperthermia Susceptibility; Malignant hyperthermia suceptibility 1. Identifiers: Orphanet 423, MedGen C2930980, MONDO:0007783, OMIM 145600.
RYR1-related disorder. Also called: RYR1-related condition; RYR1-related disorders. Identifiers: MedGen CN239331.

gnomAD v4.1: 9 of 1,611,172 alleles (0.00056%); highest among the groups gnomAD compares: Non-Finnish European, 0.00076%; no homozygotes.

Submissions (2):

Labcorp Genetics (formerly Invitae), Labcorp
Classification: Uncertain significance for RYR1-related disorder. Last evaluated: 2025-04-08. Review status: criteria provided, single submitter. Criteria: Invitae Variant Classification Sherloc (09022015). Collection method: clinical testing. Allele origin: germline.
Comment: This sequence change replaces glycine, which is neutral and non-polar, with aspartic acid, which is acidic and polar, at codon 2592 of the RYR1 protein (p.Gly2592Asp). This variant is not present in population databases (gnomAD no frequency). This variant has not been reported in the literature in individuals affected with RYR1-related conditions. Invitae Evidence Modeling of protein sequence and biophysical properties (such as structural, functional, and spatial information, amino acid conservation, physicochemical variation, residue mobility, and thermodynamic stability) indicates that this missense variant is expected to disrupt RYR1 protein function with a positive predictive value of 80%. In summary, the available evidence is currently insufficient to determine the role of this variant in disease. Therefore, it has been classified as a Variant of Uncertain Significance.

Color Diagnostics, LLC DBA Color Health
Classification: Uncertain significance for Malignant hyperthermia, susceptibility to, 1. Last evaluated: 2023-08-16. Review status: criteria provided, single submitter. Criteria: ACMG Guidelines, 2015. Collection method: clinical testing. Allele origin: germline.
Comment: This missense variant replaces glycine with aspartic acid at codon 2592 of the RYR1 protein. Computational prediction suggests that this variant may have deleterious impact on protein structure and function. To our knowledge, functional studies have not been reported for this variant. This variant has not been reported in individuals affected with RYR1-related disorders in the literature. This variant has not been identified in the general population by the Genome Aggregation Database (gnomAD). The available evidence is insufficient to determine the role of this variant in disease conclusively. Therefore, this variant is classified as a Variant of Uncertain Significance.